The following is an entry in ClinVar:

NM_002439.5(MSH3):c.706T>A (p.Tyr236Asn)

Gene: MSH3 (mutS homolog 3; plus strand). Cytogenetic location: 5q14.1.
Variant type: single nucleotide variant.
Coding change: c.706T>A on transcript NM_002439.5 (MANE Select); coding-DNA position 706, T replaced by A.
Protein change: p.Tyr236Asn; replaces tyrosine 236 with asparagine.
Molecular consequence: missense variant.
Genome position (GRCh38, 1-based): chr5:80,670,223, T>A. VCF-style: chr5-80670223-T-A. GRCh37 (hg19) VCF-style: chr5-79966042-T-A.
Other names: short protein forms Y236N.
Identifiers: ClinVar variation 1007991 (VCV001007991.12), dbSNP rs1749674272, ClinGen allele CA360266828.

ClinVar aggregate classification (germline): Uncertain significance. Review status: criteria provided, multiple submitters, no conflicts (2 of 4 stars). 2 submissions from 2 submitters: Uncertain significance (2). Last evaluated 2026-01-31.

Conditions:
Hereditary cancer-predisposing syndrome. Also called: Tumor predisposition; Hereditary neoplastic syndrome; Neoplastic Syndromes, Hereditary; Hereditary Cancer Syndrome. Identifiers: Orphanet 140162, MedGen C0027672, MeSH D009386, MONDO:0015356.

Submissions (2):

Labcorp Genetics (formerly Invitae), Labcorp
Classification: Uncertain significance. Last evaluated: 2026-01-31. Review status: criteria provided, single submitter. Criteria: Invitae Variant Classification Sherloc (09022015). Collection method: clinical testing. Allele origin: germline.
Comment: This sequence change replaces tyrosine, which is neutral and polar, with asparagine, which is neutral and polar, at codon 236 of the MSH3 protein (p.Tyr236Asn). This variant is not present in population databases (gnomAD no frequency). This variant has not been reported in the literature in individuals affected with MSH3-related conditions. ClinVar contains an entry for this variant (Variation ID: 1007991). An algorithm developed to predict the effect of missense changes on protein structure and function (PolyPhen-2) suggests that this variant is likely to be disruptive. In summary, the available evidence is currently insufficient to determine the role of this variant in disease. Therefore, it has been classified as a Variant of Uncertain Significance.

Ambry Genetics
Classification: Uncertain significance for Hereditary cancer-predisposing syndrome. Last evaluated: 2025-04-11. Review status: criteria provided, single submitter. Criteria: Ambry Variant Classification Scheme 2023. Collection method: clinical testing. Allele origin: germline.
Comment: The p.Y236N variant (also known as c.706T>A), located in coding exon 4 of the MSH3 gene, results from a T to A substitution at nucleotide position 706. The tyrosine at codon 236 is replaced by asparagine, an amino acid with dissimilar properties. This amino acid position is not well conserved in available vertebrate species. In addition, this alteration is predicted to be deleterious by in silico analysis. Since supporting evidence is limited at this time, the clinical significance of this alteration remains unclear.